The following is an entry in ClinVar:

NM_001164508.2(NEB):c.9102+1G>A

Gene: NEB (nebulin; minus strand). Cytogenetic location: 2q23.3.
Variant type: single nucleotide variant.
Coding change: c.9102+1G>A on transcript NM_001164508.2 (MANE Select); the canonical splice donor site of the intron after coding-DNA position 9102, G replaced by A.
Molecular consequence: splice donor variant. On other transcripts: intron variant (1).
Genome position (GRCh38, 1-based): chr2:151,636,226, C>T on the plus strand (G>A on the coding strand, the complement: NEB is on the minus strand). VCF-style: chr2-151636226-C-T. GRCh37 (hg19) VCF-style: chr2-152492740-C-T.
Other names: c.8853+3667G>A (NM_004543.5); c.9102+1G>A (NM_001164507.2, NM_001271208.2).
Identifiers: ClinVar variation 551908 (VCV000551908.12), dbSNP rs143644938, ClinGen allele CA348805107.
Genomic context (GRCh38, chr2:151,636,226, plus strand): 5'-TAGTTCAGTGAAAATGCCACATTAGATTGATCACATACTCAGAATGGAATTGACAACTCA[C>T]GTCACTGATGATGTCCCTGGAGGCCTTGGCCGCCACGATGGGGATGGCGTCGCTTCGCAA-3'

ClinVar aggregate classification (germline): Likely pathogenic. Review status: criteria provided, multiple submitters, no conflicts (2 of 4 stars). 3 submissions from 3 submitters: Likely pathogenic (2). 1 of the submissions does not count toward it. Last evaluated 2025-08-04.

Conditions:
Nemaline myopathy 2 (NEM2). Also called: Nemaline myopathy 2, autosomal recessive. Identifiers: MedGen C1850569, MONDO:0009725, OMIM 256030.

Allele frequency attached by ClinVar (database versions not stated): gnomAD exomes below 0.00001.
gnomAD v4.1: 6 of 1,605,528 alleles (0.00037%); highest among the groups gnomAD compares: South Asian, 0.0011%; no homozygotes.

Submissions (3):

Labcorp Genetics (formerly Invitae), Labcorp
Classification: Likely pathogenic for Nemaline myopathy 2. Last evaluated: 2025-08-04. Review status: criteria provided, single submitter. Criteria: Invitae Variant Classification Sherloc (09022015). Collection method: clinical testing. Allele origin: germline.
Comment: This sequence change affects a donor splice site in intron 64 of the NEB gene. It is expected to disrupt RNA splicing. Variants that disrupt the donor or acceptor splice site typically lead to a loss of protein function (PMID: 16199547), and loss-of-function variants in NEB are known to be pathogenic (PMID: 25205138). This variant is not present in population databases (gnomAD no frequency). This variant has not been reported in the literature in individuals affected with NEB-related conditions. ClinVar contains an entry for this variant (Variation ID: 551908). Algorithms developed to predict the effect of sequence changes on RNA splicing suggest that this variant may disrupt the consensus splice site. In summary, the currently available evidence indicates that the variant is pathogenic, but additional data are needed to prove that conclusively. Therefore, this variant has been classified as Likely Pathogenic.

Revvity Omics, Revvity
Classification: Likely pathogenic. Last evaluated: 2021-01-09. Review status: criteria provided, single submitter. Criteria: ACMG Guidelines, 2015. Collection method: clinical testing. Allele origin: germline.

Counsyl
Classification: Likely pathogenic for Nemaline myopathy 2. Last evaluated: 2017-05-19. Review status: no assertion criteria provided. Collection method: clinical testing. Allele origin: unknown. Not counted in ClinVar's aggregate classification.

Literature cited by the submitters: PubMed 16199547 (cited by Labcorp Genetics (formerly Invitae), Labcorp); PubMed 25205138 (cited by Labcorp Genetics (formerly Invitae), Labcorp).